The following is an entry in ClinVar:

ClinVar aggregate classification (germline): Uncertain significance (1 of 4 stars; one submission).

Conditions:
Long QT syndrome (LQTS). Identifiers: MedGen C0023976, MeSH D008133, MONDO:0002442. Disease mechanism: loss of function. Inheritance: Various modes of inheritance.

gnomAD v4.1: 1 of 1,613,400 alleles (0.000062%); highest among the groups gnomAD compares: Non-Finnish European, 0.000085%; no homozygotes.

Submission:

Labcorp Genetics (formerly Invitae), Labcorp
Classification: Uncertain significance for Long QT syndrome. Last evaluated: 2024-01-02. Review status: criteria provided, single submitter. Criteria: Invitae Variant Classification Sherloc (09022015). Collection method: clinical testing. Allele origin: germline.
Comment: This sequence change replaces lysine, which is basic and polar, with glutamic acid, which is acidic and polar, at codon 3411 of the AKAP9 protein (p.Lys3411Glu). This variant is not present in population databases (gnomAD no frequency). This variant has not been reported in the literature in individuals affected with AKAP9-related conditions. ClinVar contains an entry for this variant (Variation ID: 1936565). An algorithm developed to predict the effect of missense changes on protein structure and function (PolyPhen-2) suggests that this variant is likely to be tolerated. In summary, the available evidence is currently insufficient to determine the role of this variant in disease. Therefore, it has been classified as a Variant of Uncertain Significance.

NM_005751.5(AKAP9):c.10231A>G (p.Lys3411Glu)

Gene: AKAP9 (A-kinase anchoring protein 9; plus strand). Cytogenetic location: 7q21.2.
Variant type: single nucleotide variant.
Coding change: c.10231A>G on transcript NM_005751.5 (MANE Select); coding-DNA position 10231, A replaced by G.
Protein change: p.Lys3411Glu; replaces lysine 3411 with glutamic acid.
Molecular consequence: missense variant.
Genome position (GRCh38, 1-based): chr7:92,097,190, A>G. VCF-style: chr7-92097190-A-G. GRCh37 (hg19) VCF-style: chr7-91726504-A-G.
Other names: c.4876A>G, p.Lys1626Glu (NM_001379277.1); c.10207A>G, p.Lys3403Glu (NM_147185.3); short protein forms K1626E, K3403E, K3411E.
Identifiers: ClinVar variation 1936565 (VCV001936565.5), dbSNP rs1375511184, ClinGen allele CA368154418.
Genomic context (GRCh38, chr7:92,097,190, plus strand): 5'-CTGCAGACAGAACAGGAGGCCAACACTGAGGGACAGAAAAAAATGCATGAGCTCCAGTCC[A>G]AAGTGGAAGATCTTCAGCGCCAGCTGGAAGAGAAAAGACAACAAGTTTATAAGTTAGACC-3'
Protein context (NP_005742.4, residues 3401-3421): GQKKMHELQS[Lys3411Glu]VEDLQRQLEE